The following is an entry in ClinVar:

ClinVar aggregate classification (germline): Pathogenic (1 of 4 stars; one submission).

Conditions:
Primary ciliary dyskinesia. Also called: Ciliary dyskinesia. Identifiers: Orphanet 244, MedGen C0008780, MONDO:0016575, HP:0012265.

Submission:

Labcorp Genetics (formerly Invitae), Labcorp
Classification: Pathogenic for Primary ciliary dyskinesia. Last evaluated: 2020-08-23. Review status: criteria provided, single submitter. Criteria: Invitae Variant Classification Sherloc (09022015). Collection method: clinical testing. Allele origin: germline.
Comment: This variant has not been reported in the literature in individuals with DNAH5-related conditions. For these reasons, this variant has been classified as Pathogenic. Loss-of-function variants in DNAH5 are known to be pathogenic (PMID: 11788826, 16627867). Algorithms developed to predict the effect of sequence changes on RNA splicing suggest that this variant may create or strengthen a splice site, but this prediction has not been confirmed by published transcriptional studies. This variant is not present in population databases (ExAC no frequency). This sequence change creates a premature translational stop signal (p.Phe114Metfs*29) in the DNAH5 gene. It is expected to result in an absent or disrupted protein product.

Literature cited by the submitters: PubMed 11788826; PubMed 16627867.

NM_001369.3(DNAH5):c.340_358del (p.Phe114fs)

Gene: DNAH5 (dynein axonemal heavy chain 5; minus strand). Cytogenetic location: 5p15.2.
Variant type: Deletion.
Coding change: c.340_358del on transcript NM_001369.3 (MANE Select); coding-DNA positions 340 to 358, 19 bases deleted (TTCGTGACCGAGGGAAACG).
Protein change: p.Phe114fs; shifts the reading frame from phenylalanine 114.
Molecular consequence: frameshift variant.
Genome position (GRCh38, 1-based): chr5:13,923,360-13,923,378, CGTTTCCCTCGGTCACGAA deleted on the plus strand (TTCGTGACCGAGGGAAACG on the coding strand, the reverse complement: DNAH5 is on the minus strand); deleting any 19 consecutive bases within chr5:13,923,360-13,923,379 gives the same sequence; the c. name uses the placement nearest the transcript's 3' end. VCF-style (leftmost placement, unchanged base first): chr5-13923359-TCGTTTCCCTCGGTCACGAA-T. GRCh37 (hg19) VCF-style: chr5-13923468-TCGTTTCCCTCGGTCACGAA-T.
Other names: short protein forms F114fs.
Identifiers: ClinVar variation 1071263 (VCV001071263.7), dbSNP rs2151997211, ClinGen allele CA2499217685.